The following is an entry in ClinVar:

ClinVar aggregate classification (germline): Uncertain significance (1 of 4 stars; one submission).

Conditions:
Hypogonadotropic hypogonadism 1 with or without anosmia (HH1). Also called: Kallmann syndrome, type 1, X-linked; DYSPLASIA OLFACTOGENITALIS OF DE MORSIER; HYPOGONADOTROPIC HYPOGONADISM 1 WITH ANOSMIA; Hypogonadotropic hypogonadism 1 with or without anosmia (Kallmann syndrome 1); KAL1-Related GnRH Deficiency (Kallmann Syndrome 1; Kallmann Syndrome, X-Linked); HYPOGONADOTROPIC HYPOGONADISM AND ANOSMIA. Identifiers: Orphanet 478, MedGen C1563719, MONDO:0010635, OMIM 308700. Disease mechanism: loss of function.

Allele frequency attached by ClinVar (database versions not stated): gnomAD exomes below 0.00001; TOPMed below 0.00001.
gnomAD v4.1: 1 of 1,209,538 alleles (0.000083%); highest among the groups gnomAD compares: Admixed American, 0.0022%; no homozygotes.

Submission:

Labcorp Genetics (formerly Invitae), Labcorp
Classification: Uncertain significance for Hypogonadotropic hypogonadism 1 with or without anosmia. Last evaluated: 2023-03-09. Review status: criteria provided, single submitter. Criteria: Invitae Variant Classification Sherloc (09022015). Collection method: clinical testing. Allele origin: germline.
Comment: In summary, the available evidence is currently insufficient to determine the role of this variant in disease. Therefore, it has been classified as a Variant of Uncertain Significance. Advanced modeling of protein sequence and biophysical properties (such as structural, functional, and spatial information, amino acid conservation, physicochemical variation, residue mobility, and thermodynamic stability) performed at Invitae indicates that this missense variant is not expected to disrupt ANOS1 protein function. This variant has not been reported in the literature in individuals affected with ANOS1-related conditions. This variant is not present in population databases (gnomAD no frequency). This sequence change replaces valine, which is neutral and non-polar, with alanine, which is neutral and non-polar, at codon 371 of the ANOS1 protein (p.Val371Ala).

NM_000216.4(ANOS1):c.1112T>C (p.Val371Ala)

Gene: ANOS1 (anosmin 1; minus strand). Cytogenetic location: Xp22.31.
Variant type: single nucleotide variant.
Coding change: c.1112T>C on transcript NM_000216.4 (MANE Select); coding-DNA position 1112, T replaced by C.
Protein change: p.Val371Ala; replaces valine 371 with alanine.
Molecular consequence: missense variant.
Genome position (GRCh38, 1-based): chrX:8,568,327, A>G on the plus strand (T>C on the coding strand, the complement: ANOS1 is on the minus strand). VCF-style: chrX-8568327-A-G. GRCh37 (hg19) VCF-style: chrX-8536368-A-G.
Other names: short protein forms V371A.
Identifiers: ClinVar variation 2973624 (VCV002973624.3), dbSNP rs1930157931, ClinGen allele CA411994883.